The following is an entry in ClinVar:

ClinVar aggregate classification (germline): Uncertain significance (1 of 4 stars; one submission).

Submission:

Labcorp Genetics (formerly Invitae), Labcorp
Classification: Uncertain significance. Last evaluated: 2025-07-31. Review status: criteria provided, single submitter. Criteria: Invitae Variant Classification Sherloc (09022015). Collection method: clinical testing. Allele origin: germline.
Comment: This sequence change replaces alanine, which is neutral and non-polar, with proline, which is neutral and non-polar, at codon 448 of the P4HB protein (p.Ala448Pro). This variant is not present in population databases (gnomAD no frequency). This variant has not been reported in the literature in individuals affected with P4HB-related conditions. Invitae Evidence Modeling of protein sequence and biophysical properties (such as structural, functional, and spatial information, amino acid conservation, physicochemical variation, residue mobility, and thermodynamic stability) indicates that this missense variant is not expected to disrupt P4HB protein function with a negative predictive value of 80%. In summary, the available evidence is currently insufficient to determine the role of this variant in disease. Therefore, it has been classified as a Variant of Uncertain Significance.

NM_000918.4(P4HB):c.1342G>C (p.Ala448Pro)

Gene: P4HB (prolyl 4-hydroxylase subunit beta; minus strand). Cytogenetic location: 17q25.3.
Variant type: single nucleotide variant.
Coding change: c.1342G>C on transcript NM_000918.4 (MANE Select); coding-DNA position 1342, G replaced by C.
Protein change: p.Ala448Pro; replaces alanine 448 with proline.
Molecular consequence: missense variant.
Genome position (GRCh38, 1-based): chr17:81,845,578, C>G on the plus strand (G>C on the coding strand, the complement: P4HB is on the minus strand). VCF-style: chr17-81845578-C-G. GRCh37 (hg19) VCF-style: chr17-79803454-C-G.
Other names: short protein forms A448P.
Identifiers: ClinVar variation 4771539 (VCV004771539.1).